The following is an entry in ClinVar:

NM_004369.4(COL6A3):c.643_646dup (p.Cys216fs)

Gene: COL6A3 (collagen type VI alpha 3 chain; minus strand). Cytogenetic location: 2q37.3.
Variant type: Duplication.
Coding change: c.643_646dup on transcript NM_004369.4 (MANE Select); coding-DNA positions 643 to 646, 4 bases duplicated (TCCT; older notation c.643_646dupTCCT).
Protein change: p.Cys216fs; shifts the reading frame from cysteine 216.
Molecular consequence: frameshift variant. On other transcripts: intron variant (4).
Genome position (GRCh38, 1-based): chr2:237,394,650-237,394,653, AGGA duplicated on the plus strand (TCCT on the coding strand, the reverse complement: COL6A3 is on the minus strand). VCF-style (leftmost placement, unchanged base first): chr2-237394649-C-CAGGA. GRCh37 (hg19) VCF-style: chr2-238303292-C-CAGGA.
Other names: c.91+2074_91+2077dup (NM_057166.5, NM_057167.4, NM_057164.5 and 1 more transcripts); short protein forms C216fs.
Identifiers: ClinVar variation 4700291 (VCV004700291.1).
Genomic context (GRCh38, chr2:237,394,649, plus strand): 5'-GTGATGTCTTTAAGGGTTTCCGTGTCCCCAGCCCTTTCTGGACTCACGGATGAATGCACA[C>CAGGA]AGGACACTAAGTTTCCTACTATGTCATGAAGTGAGGTAAAATTCTCTAGGTTGAACATAT-3'

ClinVar aggregate classification (germline): Pathogenic (1 of 4 stars; one submission).

Conditions:
Bethlem myopathy 1A. Also called: MYOPATHY, BENIGN CONGENITAL, WITH CONTRACTURES; Bethlem myopathy 1; Bethlem Muscular Dystrophy. Identifiers: Orphanet 610, MedGen CN029274, MONDO:0024530, OMIM 158810.

Submission:

Labcorp Genetics (formerly Invitae), Labcorp
Classification: Pathogenic for Bethlem myopathy 1A. Last evaluated: 2025-12-20. Review status: criteria provided, single submitter. Criteria: Invitae Variant Classification Sherloc (09022015). Collection method: clinical testing. Allele origin: germline.
Comment: This sequence change creates a premature translational stop signal (p.Cys216Phefs*19) in the COL6A3 gene. It is expected to result in an absent or disrupted protein product. Loss-of-function variants in COL6A3 are known to be pathogenic (PMID: 26004199). This variant is present in population databases (rs772328208, gnomAD 0.0009%). This variant has not been reported in the literature in individuals affected with COL6A3-related conditions. Algorithms developed to predict the effect of sequence changes on RNA splicing suggest that this variant may disrupt the consensus splice site. For these reasons, this variant has been classified as Pathogenic.

Literature cited by the submitters: PubMed 26004199.